The following is an entry in ClinVar:

NM_022114.4(PRDM16):c.3427G>A (p.Val1143Met)

Gene: PRDM16 (PR/SET domain 16; plus strand). Cytogenetic location: 1p36.32.
Variant type: single nucleotide variant.
Coding change: c.3427G>A on transcript NM_022114.4 (MANE Select); coding-DNA position 3427, G replaced by A.
Protein change: p.Val1143Met; replaces valine 1143 with methionine.
Molecular consequence: missense variant.
Genome position (GRCh38, 1-based): chr1:3,431,014, G>A. VCF-style: chr1-3431014-G-A. GRCh37 (hg19) VCF-style: chr1-3347578-G-A.
Other names: c.3427G>A, p.Val1143Met (NM_199454.3); short protein forms V1143M.
Identifiers: ClinVar variation 1349792 (VCV001349792.9), dbSNP rs200515585, ClinGen allele CA544864.

ClinVar aggregate classification (germline): Conflicting classifications of pathogenicity. Review status: criteria provided, conflicting classifications (1 of 4 stars). 2 submissions from 2 submitters: Uncertain significance (1); Likely benign (1). Last evaluated 2025-10-22.

Conditions:
Left ventricular noncompaction 8 (LVNC8). Identifiers: Orphanet 154, Orphanet 54260, MedGen C3809288, MONDO:0014152, OMIM 615373.

Allele frequency attached by ClinVar (database versions not stated): gnomAD 0.00001; TOPMed 0.00003; gnomAD exomes 0.00006 and 0.00009; ExAC 0.00019.
gnomAD v4.1: 87 of 1,582,122 alleles (0.0055%); highest among the groups gnomAD compares: Non-Finnish European, 0.0059%; no homozygotes.

Submissions (2):

Labcorp Genetics (formerly Invitae), Labcorp
Classification: Uncertain significance for Left ventricular noncompaction 8. Last evaluated: 2025-10-22. Review status: criteria provided, single submitter. Criteria: Invitae Variant Classification Sherloc (09022015). Collection method: clinical testing. Allele origin: germline.
Comment: This sequence change replaces valine, which is neutral and non-polar, with methionine, which is neutral and non-polar, at codon 1143 of the PRDM16 protein (p.Val1143Met). This variant is present in population databases (rs200515585, gnomAD 0.02%). This variant has not been reported in the literature in individuals affected with PRDM16-related conditions. ClinVar contains an entry for this variant (Variation ID: 1349792). An algorithm developed to predict the effect of missense changes on protein structure and function (PolyPhen-2) suggests that this variant is likely to be tolerated. In summary, the available evidence is currently insufficient to determine the role of this variant in disease. Therefore, it has been classified as a Variant of Uncertain Significance.

Blueprint Genetics
Classification: Likely benign. Last evaluated: 2024-10-16. Review status: criteria provided, single submitter. Criteria: ACMG Guidelines, 2015. Collection method: clinical testing. Allele origin: germline.